The following is an entry in ClinVar:

ClinVar aggregate classification (germline): Conflicting classifications of pathogenicity. Review status: criteria provided, conflicting classifications (1 of 4 stars). 2 submissions from 2 submitters: Uncertain significance (1); Likely benign (1). Last evaluated 2025-10-29.

Conditions:
Hereditary cancer-predisposing syndrome. Also called: Neoplastic Syndromes, Hereditary; Tumor predisposition; Hereditary Cancer Syndrome; Hereditary neoplastic syndrome. Identifiers: Orphanet 140162, MedGen C0027672, MeSH D009386, MONDO:0015356.
Gastrointestinal stromal tumor. Also called: Gastrointestinal stromal tumor, somatic; Gastrointestinal stroma tumor. Identifiers: Orphanet 44890, MedGen C0238198, MeSH D046152, MONDO:0011719, OMIM 606764, HP:0100723.

Allele frequency attached by ClinVar (database versions not stated): TOPMed below 0.00001; ExAC 0.00002.
gnomAD v4.1: 6 of 1,603,016 alleles (0.00037%); highest among the groups gnomAD compares: East Asian, 0.0067%; no homozygotes.

Submissions (2):

Labcorp Genetics (formerly Invitae), Labcorp
Classification: Uncertain significance for Gastrointestinal stromal tumor. Last evaluated: 2025-10-29. Review status: criteria provided, single submitter. Criteria: Invitae Variant Classification Sherloc (09022015). Collection method: clinical testing. Allele origin: germline.
Comment: This sequence change replaces asparagine, which is neutral and polar, with serine, which is neutral and polar, at codon 933 of the KIT protein (p.Asn933Ser). This variant is present in population databases (rs752222954, gnomAD 0.01%). This variant has not been reported in the literature in individuals affected with KIT-related conditions. ClinVar contains an entry for this variant (Variation ID: 664086). An algorithm developed to predict the effect of missense changes on protein structure and function outputs the following: PolyPhen-2: "Benign". The serine amino acid residue is found in multiple mammalian species, which suggests that this missense change does not adversely affect protein function. In summary, the available evidence is currently insufficient to determine the role of this variant in disease. Therefore, it has been classified as a Variant of Uncertain Significance.

Ambry Genetics
Classification: Likely benign for Hereditary cancer-predisposing syndrome. Last evaluated: 2025-03-21. Review status: criteria provided, single submitter. Criteria: Ambry Variant Classification Scheme 2023. Collection method: clinical testing. Allele origin: germline.

NM_000222.3(KIT):c.2798A>G (p.Asn933Ser)

Gene: KIT (KIT proto-oncogene, receptor tyrosine kinase; plus strand). Cytogenetic location: 4q12.
Variant type: single nucleotide variant.
Coding change: c.2798A>G on transcript NM_000222.3 (MANE Select); coding-DNA position 2798, A replaced by G.
Protein change: p.Asn933Ser; replaces asparagine 933 with serine.
Molecular consequence: missense variant.
Genome position (GRCh38, 1-based): chr4:54,737,276, A>G. VCF-style: chr4-54737276-A-G. GRCh37 (hg19) VCF-style: chr4-55603442-A-G.
Other names: c.2786A>G, p.Asn929Ser (NM_001093772.2, NM_001385292.1); c.2801A>G, p.Asn934Ser (NM_001385284.1); c.2795A>G, p.Asn932Ser (NM_001385285.1); c.2783A>G, p.Asn928Ser (NM_001385286.1); c.2789A>G, p.Asn930Ser (NM_001385288.1); c.2798A>G, p.Asn933Ser (NM_001385290.1); short protein forms N929S, N933S, N928S, N930S, N932S, N934S.
Identifiers: ClinVar variation 664086 (VCV000664086.8), dbSNP rs752222954, ClinGen allele CA2923852.